The following is an entry in ClinVar:

ClinVar aggregate classification (germline): Pathogenic (1 of 4 stars; one submission).

Conditions:
Hereditary cancer-predisposing syndrome. Also called: Tumor predisposition; Hereditary Cancer Syndrome; Neoplastic Syndromes, Hereditary; Hereditary neoplastic syndrome. Identifiers: Orphanet 140162, MedGen C0027672, MeSH D009386, MONDO:0015356.

Submission:

Ambry Genetics
Classification: Pathogenic for Hereditary cancer-predisposing syndrome. Last evaluated: 2020-02-19. Review status: criteria provided, single submitter. Criteria: Ambry Variant Classification Scheme 2023. Collection method: clinical testing. Allele origin: germline.
Comment: The c.2613delA pathogenic mutation, located in coding exon 16 of the RAD50 gene, results from a deletion of one nucleotide at nucleotide position 2613, causing a translational frameshift with a predicted alternate stop codon (p.K871Nfs*35). This alteration is expected to result in loss of function by premature protein truncation or nonsense-mediated mRNA decay. As such, this alteration is interpreted as a disease-causing mutation.

NM_005732.4(RAD50):c.2613del (p.Lys871fs)

Gene: RAD50 (RAD50 double strand break repair protein; plus strand). Cytogenetic location: 5q31.1.
Variant type: Deletion.
Coding change: c.2613del on transcript NM_005732.4 (MANE Select); coding-DNA position 2613, one base deleted (A; older notation c.2613delA).
Protein change: p.Lys871fs; shifts the reading frame from lysine 871.
Molecular consequence: frameshift variant.
Genome position (GRCh38, 1-based): chr5:132,604,894, A deleted; the last of 4 consecutive A bases (chr5:132,604,891-132,604,894); deleting any one gives the same sequence. VCF-style (leftmost placement, unchanged base first): chr5-132604890-TA-T. GRCh37 (hg19) VCF-style: chr5-131940582-TA-T.
Other names: short protein forms K871fs.
Identifiers: ClinVar variation 1793830 (VCV001793830.2), dbSNP rs2479668433, ClinGen allele CA2580072793.